The following is an entry in ClinVar:

NM_000531.6(OTC):c.501C>G (p.Tyr167Ter)

Gene: OTC (ornithine transcarbamylase; plus strand). Cytogenetic location: Xp11.4.
Variant type: single nucleotide variant.
Coding change: c.501C>G on transcript NM_000531.6 (MANE Select); coding-DNA position 501, C replaced by G.
Protein change: p.Tyr167Ter; replaces tyrosine 167 with a stop codon.
Molecular consequence: nonsense.
Genome position (GRCh38, 1-based): chrX:38,401,389, C>G. VCF-style: chrX-38401389-C-G. GRCh37 (hg19) VCF-style: chrX-38260642-C-G.
Other names: NM_000531.6(OTC):c.501C>G; p.Tyr167Ter; short protein forms Y167*.
Identifiers: ClinVar variation 97223 (VCV000097223.3), dbSNP rs66564822, ClinGen allele CA224648.

ClinVar aggregate classification (germline): Pathogenic. Review status: reviewed by expert panel (3 of 4 stars). 2 submissions from 2 submitters: Pathogenic (1). 1 of the submissions does not count toward it. Last evaluated 2026-05-19.

Conditions:
Ornithine carbamoyltransferase deficiency (OTCD). Also called: Ornithine Carbamoyltransferase Deficiency Disease; ORNITHINE TRANSCARBAMYLASE DEFICIENCY; OTC DEFICIENCY; ORNITHINE TRANSCARBAMYLASE DEFICIENCY, HYPERAMMONEMIA DUE TO. Identifiers: Orphanet 664, MedGen C0268542, MONDO:0010703, OMIM 311250.

Submissions (2):

Clingen Urea Cycle Disorders Variant Curation Expert Panel, ClinGen
Classification: Pathogenic for Ornithine carbamoyltransferase deficiency. Last evaluated: 2026-05-19. Review status: reviewed by expert panel. Criteria: ClinGen UreaCycles ACMG Specifications OTC V1.0. Collection method: curation. Allele origin: germline. Inheritance: X-linked inheritance.
Comment: The NM_000531.6:501C>G (p.Tyr167Ter) variant in OTC is a nonsense variant predicted to cause a premature stop codon in biologically-relevant-exon 5/10 leading to nonsense mediated decay in a gene in which loss-of-function is an established disease mechanism (PVS1). This variant has been reported in the literature in one patient with this variant displayed no OTC activity in liver, which is highly specific for OTC deficiency (PP4_Moderate, PMID: 8530002). This variant is absent from gnomAD v4.1.0 (PM2_Supporting). This variant has been reported in 1 additional proband with biochemical evidence of OTC deficiency (PS4_Supporting; PMID: 9286441). In summary, this variant meets the criteria to be classified as Pathogenic for X-linked ornithine carbamoyltransferase deficiency. ACMG/AMP criteria met, as specified by the ClinGen Urea Cycle Disorders VCEP (OTC specifications version 1.0.0): PVS1, PP4_Moderate, PM2_Supporting, PS4_Supporting.

GenMed Metabolism Lab
Classification: Pathogenic. Review status: no assertion criteria provided. Collection method: not provided. Allele origin: unknown. Not counted in ClinVar's aggregate classification.
Comment: p.Tyr167X, Neonatal
ClinVar note: Converted during submission from pathogenic to Pathogenic.